The following is an entry in ClinVar:

NM_014845.6(FIG4):c.1096C>T (p.Gln366Ter)

Gene: FIG4 (FIG4 phosphoinositide 5-phosphatase; plus strand). Cytogenetic location: 6q21.
Variant type: single nucleotide variant.
Coding change: c.1096C>T on transcript NM_014845.6 (MANE Select); coding-DNA position 1096, C replaced by T.
Protein change: p.Gln366Ter; replaces glutamine 366 with a stop codon.
Molecular consequence: nonsense.
Genome position (GRCh38, 1-based): chr6:109,743,731, C>T. VCF-style: chr6-109743731-C-T. GRCh37 (hg19) VCF-style: chr6-110064934-C-T.
Other names: short protein forms Q366*.
Identifiers: ClinVar variation 1459446 (VCV001459446.6), dbSNP rs2128387076, ClinGen allele CA365222398.

ClinVar aggregate classification (germline): Pathogenic (1 of 4 stars; one submission).

Conditions:
Charcot-Marie-Tooth disease type 4. Also called: Charcot-Marie-Tooth disease, type IV; Charcot-Marie-Tooth, Type 4. Identifiers: Orphanet 64749, MedGen C4082197, MONDO:0018995.

Allele frequency attached by ClinVar (database versions not stated): gnomAD exomes below 0.00001.
gnomAD v4.1: 1 of 1,612,938 alleles (0.000062%); highest among the groups gnomAD compares: Admixed American, 0.0017%; no homozygotes.

Submission:

Labcorp Genetics (formerly Invitae), Labcorp
Classification: Pathogenic for Charcot-Marie-Tooth disease type 4. Last evaluated: 2024-12-05. Review status: criteria provided, single submitter. Criteria: Invitae Variant Classification Sherloc (09022015). Collection method: clinical testing. Allele origin: germline.
Comment: This sequence change creates a premature translational stop signal (p.Gln366*) in the FIG4 gene. It is expected to result in an absent or disrupted protein product. Loss-of-function variants in FIG4 are known to be pathogenic (PMID: 23623387, 30740813). This variant is not present in population databases (gnomAD no frequency). This variant has not been reported in the literature in individuals affected with FIG4-related conditions. ClinVar contains an entry for this variant (Variation ID: 1459446). Algorithms developed to predict the effect of sequence changes on RNA splicing suggest that this variant may disrupt the consensus splice site. For these reasons, this variant has been classified as Pathogenic.

Literature cited by the submitters: PubMed 23623387; PubMed 30740813.